The following is an entry in ClinVar:

ClinVar aggregate classification (germline): Uncertain significance. Review status: criteria provided, multiple submitters, no conflicts (2 of 4 stars). 3 submissions from 3 submitters: Uncertain significance (3). Last evaluated 2024-10-08.

Conditions:
Hereditary cancer-predisposing syndrome. Also called: Neoplastic Syndromes, Hereditary; Tumor predisposition; Hereditary neoplastic syndrome; Hereditary Cancer Syndrome. Identifiers: Orphanet 140162, MedGen C0027672, MeSH D009386, MONDO:0015356.
Familial cancer of breast. Also called: hereditary breast carcinoma; BREAST CANCER, FAMILIAL; Hereditary breast cancer. Identifiers: Orphanet 227535, MedGen C0346153, MONDO:0016419, OMIM 114480. Disease mechanism: loss of function.

Submissions (3):

Ambry Genetics
Classification: Uncertain significance for Hereditary cancer-predisposing syndrome. Last evaluated: 2024-10-08. Review status: criteria provided, single submitter. Criteria: Ambry Variant Classification Scheme 2023. Collection method: clinical testing. Allele origin: germline.
Comment: The p.A98V variant (also known as c.293C>T), located in coding exon 1 of the CHEK2 gene, results from a C to T substitution at nucleotide position 293. The alanine at codon 98 is replaced by valine, an amino acid with similar properties. This amino acid position is well conserved in available vertebrate species. In addition, the in silico prediction for this alteration is inconclusive. Based on the available evidence, the clinical significance of this variant remains unclear.

Labcorp Genetics (formerly Invitae), Labcorp
Classification: Uncertain significance for Familial cancer of breast. Last evaluated: 2024-10-01. Review status: criteria provided, single submitter. Criteria: Invitae Variant Classification Sherloc (09022015). Collection method: clinical testing. Allele origin: germline.
Comment: This sequence change replaces alanine, which is neutral and non-polar, with valine, which is neutral and non-polar, at codon 98 of the CHEK2 protein (p.Ala98Val). This variant is not present in population databases (gnomAD no frequency). This variant has not been reported in the literature in individuals affected with CHEK2-related conditions. ClinVar contains an entry for this variant (Variation ID: 644073). An algorithm developed to predict the effect of missense changes on protein structure and function (PolyPhen-2) suggests that this variant is likely to be tolerated. In summary, the available evidence is currently insufficient to determine the role of this variant in disease. Therefore, it has been classified as a Variant of Uncertain Significance.

Institute for Clinical Genetics, University Hospital TU Dresden, University Hospital TU Dresden
Classification: Uncertain significance. Last evaluated: 2023-03-29. Review status: criteria provided, single submitter. Criteria: ACMG Guidelines, 2015. Collection method: clinical testing. Allele origin: germline.
Comment: PM2_SUP

NM_007194.4(CHEK2):c.293C>T (p.Ala98Val)

Gene: CHEK2 (checkpoint kinase 2; minus strand). Cytogenetic location: 22q12.1.
Variant type: single nucleotide variant.
Coding change: c.293C>T on transcript NM_007194.4 (MANE Select); coding-DNA position 293, C replaced by T.
Protein change: p.Ala98Val; replaces alanine 98 with valine.
Molecular consequence: missense variant.
Genome position (GRCh38, 1-based): chr22:28,734,429, G>A on the plus strand (C>T on the coding strand, the complement: CHEK2 is on the minus strand). VCF-style: chr22-28734429-G-A. GRCh37 (hg19) VCF-style: chr22-29130417-G-A.
Other names: c.293C>T, p.Ala98Val (NM_001005735.3, NM_001349956.3, NM_145862.3); c.-485C>T (NM_001257387.3); short protein forms A98V.
Identifiers: ClinVar variation 644073 (VCV000644073.13), dbSNP rs1601851270, ClinGen allele CA411090305.